The following is an entry in ClinVar:

NM_004519.4(KCNQ3):c.2139del (p.Phe713fs)

Gene: KCNQ3 (potassium voltage-gated channel subfamily Q member 3; minus strand). Cytogenetic location: 8q24.22.
Variant type: Deletion.
Coding change: c.2139del on transcript NM_004519.4 (MANE Select); coding-DNA position 2139, one base deleted (T; older notation c.2139delT).
Protein change: p.Phe713fs; shifts the reading frame from phenylalanine 713.
Molecular consequence: frameshift variant.
Genome position (GRCh38, 1-based): chr8:132,129,742, A deleted on the plus strand (T on the coding strand, the reverse complement: KCNQ3 is on the minus strand); the first of 6 consecutive A bases (chr8:132,129,742-132,129,747); deleting any one gives the same sequence. VCF-style (leftmost placement, unchanged base first): chr8-132129741-CA-C. GRCh37 (hg19) VCF-style: chr8-133141988-CA-C.
Other names: c.1779del, p.Phe593fs (NM_001204824.2); short protein forms F593fs, F713fs.
Identifiers: ClinVar variation 471222 (VCV000471222.9), dbSNP rs1554621412, ClinGen allele CA658657827.

ClinVar aggregate classification (germline): Uncertain significance. Review status: criteria provided, multiple submitters, no conflicts (2 of 4 stars). 2 submissions from 2 submitters: Uncertain significance (2). Last evaluated 2023-07-03.

Conditions:
Benign neonatal seizures. Also called: Benign familial neonatal seizures; Convulsions benign familial neonatal dominant form; Autosomal dominant form of benign neonatal seizures; Benign familial neonatal epilepsy; Benign neonatal familial convulsions. Identifiers: Orphanet 1949, MedGen C0220669, MONDO:0016027.

Submissions (2):

Women's Health and Genetics/Laboratory Corporation of America, LabCorp
Classification: Uncertain significance. Last evaluated: 2023-07-03. Review status: criteria provided, single submitter. Criteria: LabCorp Variant Classification Summary - May 2015. Collection method: clinical testing. Allele origin: germline.
Comment: Variant summary: KCNQ3 c.2139delT (p.Phe713LeufsX6) results in a premature termination codon in the last exon (Exon 15), an is predicted to cause a truncation of the encoded protein or absence of the protein. The variant was absent in 251354 control chromosomes (gnomAD). The available data on variant occurrences in the general population are insufficient to allow any conclusion about variant significance. To our knowledge, no occurrence of c.2139delT in individuals affected with Benign Familial Neonatal Seizures 2 and no experimental evidence demonstrating its impact on protein function have been reported. One submitter has cited clinical-significance assessments for this variant to ClinVar after 2014 and has classified the variant as uncertain significance. Based on the evidence outlined above, the variant was classified as uncertain significance.

Labcorp Genetics (formerly Invitae), Labcorp
Classification: Uncertain significance for Benign neonatal seizures. Last evaluated: 2017-09-13. Review status: criteria provided, single submitter. Criteria: Invitae Variant Classification Sherloc (09022015). Collection method: clinical testing. Allele origin: germline.
Comment: This sequence change results in a premature translational stop signal in the KCNQ3 gene (p.Phe713Leufs*6). While this is not anticipated to result in nonsense mediated decay, it is expected to delete the last 160 amino acids of the KCNQ3 protein. This variant is not present in population databases (ExAC no frequency). This variant has not been reported in the literature in individuals with KCNQ3-related disease. In summary, the available evidence is currently insufficient to determine the role of this variant in disease. Therefore, it has been classified as a Variant of Uncertain Significance.